The following is an entry in ClinVar:

ClinVar aggregate classification (germline): Uncertain significance (0 of 4 stars; one submission).

Conditions:
Prostate cancer. Also called: Malignant tumor of prostate. Identifiers: Orphanet 1331, MedGen C0376358, MONDO:0008315, HP:0012125.

Allele frequency attached by ClinVar (database versions not stated): ExAC 0.38719; gnomAD 0.00012.

Submission:

Science for Life laboratory,  Karolinska Institutet
Classification: Uncertain significance for Malignant tumor of prostate. Review status: no assertion criteria provided. Collection method: not provided. Allele origin: somatic.
Comment: TumorID:SWE-12C
ClinVar note: Converted during submission from Unknown to Uncertain significance.

NM_005961.3(MUC6):c.4382C>T (p.Thr1461Ile)

Gene: MUC6 (mucin 6, oligomeric mucus/gel-forming (gene/pseudogene); minus strand). Cytogenetic location: 11p15.5.
Variant type: single nucleotide variant.
Coding change: c.4382C>T on transcript NM_005961.3 (MANE Select); coding-DNA position 4382, C replaced by T.
Protein change: p.Thr1461Ile; replaces threonine 1461 with isoleucine.
Molecular consequence: missense variant.
Genome position (GRCh38, 1-based): chr11:1,018,419, G>A on the plus strand (C>T on the coding strand, the complement: MUC6 is on the minus strand). VCF-style: chr11-1018419-G-A. GRCh37 (hg19) VCF-style: chr11-1018419-G-A.
Other names: short protein forms T1461I.
Identifiers: ClinVar variation 161643 (VCV000161643.2), dbSNP rs148581741, ClinGen allele CA174516.